The following is an entry in ClinVar:

ClinVar aggregate classification (germline): Uncertain significance (1 of 4 stars; one submission).

Submission:

GeneDx
Classification: Uncertain significance. Last evaluated: 2025-03-07. Review status: criteria provided, single submitter. Criteria: GeneDx Variant Classification Process June 2021. Collection method: clinical testing. Allele origin: germline. Affected: yes.
Comment: Not observed at significant frequency in large population cohorts (gnomAD); In silico analysis indicates that this missense variant does not alter protein structure/function; Has not been previously published as pathogenic or benign to our knowledge

NM_005045.4(RELN):c.2317A>G (p.Thr773Ala)

Gene: RELN (reelin; minus strand). Cytogenetic location: 7q22.1.
Variant type: single nucleotide variant.
Coding change: c.2317A>G on transcript NM_005045.4 (MANE Select); coding-DNA position 2317, A replaced by G.
Protein change: p.Thr773Ala; replaces threonine 773 with alanine.
Molecular consequence: missense variant.
Genome position (GRCh38, 1-based): chr7:103,635,573, T>C on the plus strand (A>G on the coding strand, the complement: RELN is on the minus strand). VCF-style: chr7-103635573-T-C. GRCh37 (hg19) VCF-style: chr7-103276020-T-C.
Other names: c.2317A>G, p.Thr773Ala (NM_173054.3); short protein forms T773A.
Identifiers: ClinVar variation 4082662 (VCV004082662.1).